The following is an entry in ClinVar:

NM_002474.3(MYH11):c.4663C>T (p.Leu1555=)

Genes: MYH11 (myosin heavy chain 11; minus strand), NDE1 (nudE neurodevelopment protein 1; plus strand). Cytogenetic location: 16p13.11.
Variant type: single nucleotide variant.
Coding change: c.4663C>T on transcript NM_002474.3 (MANE Select); coding-DNA position 4663, C replaced by T.
Protein change: p.Leu1555=; no amino-acid change (leucine 1555 retained).
Molecular consequence: synonymous variant. On other transcripts: intron variant (2).
Genome position (GRCh38, 1-based): chr16:15,720,967, G>A on the plus strand (C>T on the coding strand, the complement: MYH11 is on the minus strand). VCF-style: chr16-15720967-G-A. GRCh37 (hg19) VCF-style: chr16-15814824-G-A.
Other names: c.4684C>T, p.Leu1562= (NM_001040113.2, NM_001040114.2); c.4663C>T, p.Leu1555= (NM_022844.3); c.948-3224G>A (NM_001143979.2, NM_017668.3).
Identifiers: ClinVar variation 465737 (VCV000465737.17), dbSNP rs202231621, ClinGen allele CA7921592.

ClinVar aggregate classification (germline): Likely benign. Review status: criteria provided, multiple submitters, no conflicts (2 of 4 stars). 4 submissions from 4 submitters: Likely benign (4). Last evaluated 2026-01-14.

Conditions:
MYH11-related disorder. Also called: MYH11-related condition.
Familial thoracic aortic aneurysm and aortic dissection (TAAD). Also called: Thoracic aortic aneurysms and dissections. Identifiers: Orphanet 91387, MedGen C4707243, MONDO:0019625.
Aortic aneurysm, familial thoracic 4 (AAT4). Also called: AORTIC ANEURYSM/AORTIC DISSECTION AND PATENT DUCTUS ARTERIOSUS. Identifiers: MedGen C1851504, MONDO:0007568, OMIM 132900.

Allele frequency attached by ClinVar (database versions not stated): gnomAD exomes 0.00006; ExAC 0.00010; gnomAD 0.00020 and 0.00021; 1000 Genomes Project 30x 0.00031; ESP Exome Variant Server 0.00031; TOPMed 0.00033; 1000 Genomes Project 0.00040.
gnomAD v4.1: 59 of 1,614,062 alleles (0.0037%); highest among the groups gnomAD compares: African/African-American, 0.069%; no homozygotes.

Submissions (4):

Labcorp Genetics (formerly Invitae), Labcorp
Classification: Likely benign for Aortic aneurysm, familial thoracic 4. Last evaluated: 2026-01-14. Review status: criteria provided, single submitter. Criteria: Invitae Variant Classification Sherloc (09022015). Collection method: clinical testing. Allele origin: germline.

PreventionGenetics, part of Exact Sciences
Classification: Likely benign for MYH11-related condition. Last evaluated: 2025-03-19. Review status: criteria provided, single submitter. Criteria: ACMG Guidelines, 2015. Collection method: clinical testing. Allele origin: germline.
Comment: This variant is classified as likely benign based on ACMG/AMP sequence variant interpretation guidelines (Richards et al. 2015 PMID: 25741868, with internal and published modifications).

Ambry Genetics
Classification: Likely benign for Familial thoracic aortic aneurysm and aortic dissection. Last evaluated: 2022-02-14. Review status: criteria provided, single submitter. Criteria: Ambry Variant Classification Scheme 2023. Collection method: clinical testing. Allele origin: germline.

Color Diagnostics, LLC DBA Color Health
Classification: Likely benign for Familial thoracic aortic aneurysm and aortic dissection. Last evaluated: 2018-11-08. Review status: criteria provided, single submitter. Criteria: ACMG Guidelines, 2015. Collection method: clinical testing. Allele origin: germline.